The following is an entry in ClinVar:

ClinVar aggregate classification (germline): Uncertain significance (1 of 4 stars; one submission).

gnomAD v4.1: 1 of 1,613,526 alleles (0.000062%); highest among the groups gnomAD compares: African/African-American, 0.0013%; no homozygotes.

Submission:

Women's Health and Genetics/Laboratory Corporation of America, LabCorp
Classification: Uncertain significance. Last evaluated: 2024-10-08. Review status: criteria provided, single submitter. Criteria: LabCorp Variant Classification Summary - May 2015. Collection method: clinical testing. Allele origin: germline.
Comment: Variant summary: QARS1 c.860A>G (p.Asn287Ser) results in a conservative amino acid change located in the Glutamyl/glutaminyl-tRNA synthetase, class Ib, catalytic domain (IPR020058) of the encoded protein sequence. Three of five in-silico tools predict a benign effect of the variant on protein function. The variant was absent in 115390 control chromosomes. The available data on variant occurrences in the general population are insufficient to allow any conclusion about variant significance. To our knowledge, no occurrence of c.860A>G in individuals affected with Diffuse Cerebral And Cerebellar Atrophy-Intractable Seizures-Progressive Microcephaly Syndrome and no experimental evidence demonstrating its impact on protein function have been reported. No submitters have cited clinical-significance assessments for this variant to ClinVar. Based on the evidence outlined above, the variant was classified as uncertain significance.

NM_005051.3(QARS1):c.860A>G (p.Asn287Ser)

Gene: QARS1 (glutaminyl-tRNA synthetase 1; minus strand). Cytogenetic location: 3p21.31.
Variant type: single nucleotide variant.
Coding change: c.860A>G on transcript NM_005051.3 (MANE Select); coding-DNA position 860, A replaced by G.
Protein change: p.Asn287Ser; replaces asparagine 287 with serine.
Molecular consequence: missense variant. On other transcripts: non-coding transcript variant (1).
Genome position (GRCh38, 1-based): chr3:49,101,371, T>C on the plus strand (A>G on the coding strand, the complement: QARS1 is on the minus strand). VCF-style: chr3-49101371-T-C. GRCh37 (hg19) VCF-style: chr3-49138804-T-C.
Other names: c.827A>G, p.Asn276Ser (NM_001272073.2); short protein forms N276S, N287S.
Identifiers: ClinVar variation 3384825 (VCV003384825.1).